The following is an entry in ClinVar:

NM_000136.3(FANCC):c.874C>T (p.Arg292Trp)

Genes: AOPEP (aminopeptidase O (putative); plus strand), FANCC (FA complementation group C; minus strand). Cytogenetic location: 9q22.32.
Variant type: single nucleotide variant.
Coding change: c.874C>T on transcript NM_000136.3 (MANE Select); coding-DNA position 874, C replaced by T.
Protein change: p.Arg292Trp; replaces arginine 292 with tryptophan.
Molecular consequence: missense variant.
Genome position (GRCh38, 1-based): chr9:95,126,551, G>A on the plus strand (C>T on the coding strand, the complement: FANCC is on the minus strand). VCF-style: chr9-95126551-G-A. GRCh37 (hg19) VCF-style: chr9-97888833-G-A.
Other names: c.874C>T, p.Arg292Trp (NM_001243743.2, NM_001243744.2); short protein forms R292W.
Identifiers: ClinVar variation 1439355 (VCV001439355.11), dbSNP rs1306075116, ClinGen allele CA374109093.

ClinVar aggregate classification (germline): Uncertain significance. Review status: criteria provided, multiple submitters, no conflicts (2 of 4 stars). 3 submissions from 3 submitters: Uncertain significance (3). Last evaluated 2023-09-27.

Conditions:
Hereditary cancer-predisposing syndrome. Also called: Neoplastic Syndromes, Hereditary; Hereditary Cancer Syndrome; Hereditary neoplastic syndrome; Tumor predisposition. Identifiers: Orphanet 140162, MedGen C0027672, MeSH D009386, MONDO:0015356.
Fanconi anemia (FA). Also called: Fanconi's anemia. Identifiers: Orphanet 84, MedGen C0015625, MeSH D005199, MONDO:0019391.

Allele frequency attached by ClinVar (database versions not stated): gnomAD exomes below 0.00001; gnomAD 0.00001.
gnomAD v4.1: 8 of 1,613,840 alleles (0.0005%); highest among the groups gnomAD compares: East Asian, 0.0022%; no homozygotes.

Submissions (3):

Genetic Services Laboratory, University of Chicago
Classification: Uncertain significance. Last evaluated: 2023-09-27. Review status: criteria provided, single submitter. Criteria: ACMG Guidelines, 2015. Collection method: clinical testing. Allele origin: germline. Affected: no.
Comment: DNA sequence analysis of the FANCC gene demonstrated a sequence change, c.874C>T, in exon 9 that results in an amino acid change, p.Arg292Trp. This sequence change does not appear to have been previously described in individuals with FANCC-related disorders. This sequence change has been described in the gnomAD database with an overall frequency of 0.0004% (dbSNP rs1306075116). The p.Arg292Trp change affects a highly conserved amino acid residue located in a domain of the FANCC protein that is known to be functional. In-silico pathogenicity prediction tools (SIFT, PolyPhen2, Align GVGD, REVEL) provide contradictory results for the p.Arg292Trp substitution. Due to insufficient evidence and the lack of functional studies, the clinical significance of the p.Arg292Trp change remains unknown at this time.

Ambry Genetics
Classification: Uncertain significance for Hereditary cancer-predisposing syndrome. Last evaluated: 2022-12-26. Review status: criteria provided, single submitter. Criteria: Ambry Variant Classification Scheme 2023. Collection method: clinical testing. Allele origin: germline.
Comment: The p.R292W variant (also known as c.874C>T), located in coding exon 8 of the FANCC gene, results from a C to T substitution at nucleotide position 874. The arginine at codon 292 is replaced by tryptophan, an amino acid with dissimilar properties. This amino acid position is highly conserved in available vertebrate species. In addition, this alteration is predicted to be tolerated by in silico analysis. Since supporting evidence is limited at this time, the clinical significance of this alteration remains unclear.

Labcorp Genetics (formerly Invitae), Labcorp
Classification: Uncertain significance for Fanconi anemia. Last evaluated: 2022-09-06. Review status: criteria provided, single submitter. Criteria: Invitae Variant Classification Sherloc (09022015). Collection method: clinical testing. Allele origin: germline.
Comment: This sequence change replaces arginine, which is basic and polar, with tryptophan, which is neutral and slightly polar, at codon 292 of the FANCC protein (p.Arg292Trp). This variant is present in population databases (no rsID available, gnomAD no frequency). This variant has not been reported in the literature in individuals affected with FANCC-related conditions. ClinVar contains an entry for this variant (Variation ID: 1439355). Algorithms developed to predict the effect of missense changes on protein structure and function are either unavailable or do not agree on the potential impact of this missense change (SIFT: "Deleterious"; PolyPhen-2: "Probably Damaging"; Align-GVGD: "Class C0"). In summary, the available evidence is currently insufficient to determine the role of this variant in disease. Therefore, it has been classified as a Variant of Uncertain Significance.